The following is an entry in ClinVar:

ClinVar aggregate classification (germline): Benign/Likely benign. Review status: criteria provided, multiple submitters, no conflicts (2 of 4 stars). 5 submissions from 5 submitters: Benign (1); Likely benign (3). 1 of the submissions does not count toward it. Last evaluated 2026-02-02.

Conditions:
TPM2-related disorder. Also called: TPM2-related condition; TPM2-related disorders.
Arthrogryposis, distal, type 1A. Also called: ARTHROGRYPOSIS MULTIPLEX CONGENITA, DISTAL, TYPE I. Identifiers: Orphanet 1146, MedGen C6022280, MONDO:0007157, OMIM 108120.

Submissions (5):

Labcorp Genetics (formerly Invitae), Labcorp
Classification: Likely benign for Digitotalar dysmorphism. Last evaluated: 2026-02-02. Review status: criteria provided, single submitter. Criteria: Invitae Variant Classification Sherloc (09022015). Collection method: clinical testing. Allele origin: germline.

Blueprint Genetics
Classification: Likely benign. Last evaluated: 2024-10-22. Review status: criteria provided, single submitter. Criteria: ACMG Guidelines, 2015. Collection method: clinical testing. Allele origin: germline.

GeneDx
Classification: Benign. Last evaluated: 2017-08-17. Review status: criteria provided, single submitter. Criteria: GeneDx Variant Classification (06012015). Collection method: clinical testing. Allele origin: germline. Affected: yes.
Comment: This variant is considered likely benign or benign based on one or more of the following criteria: it is a conservative change, it occurs at a poorly conserved position in the protein, it is predicted to be benign by multiple in silico algorithms, and/or has population frequency not consistent with disease.

Eurofins Ntd Llc (ga)
Classification: Likely benign. Last evaluated: 2014-10-31. Review status: criteria provided, single submitter. Criteria: EGL Classification Definitions 2015. Collection method: clinical testing. Allele origin: germline. Observed: 1 variant allele, 1 heterozygote.

PreventionGenetics, part of Exact Sciences
Classification: Benign for TPM2-related condition. Last evaluated: 2024-05-10. Review status: no assertion criteria provided. Collection method: clinical testing. Allele origin: germline. Not counted in ClinVar's aggregate classification.
Comment: This variant is classified as benign based on ACMG/AMP sequence variant interpretation guidelines (Richards et al. 2015 PMID: 25741868, with internal and published modifications).

NM_003289.4(TPM2):c.493-11_493-8del

Gene: TPM2 (tropomyosin 2; minus strand). Cytogenetic location: 9p13.3.
Variant type: Deletion.
Coding change: c.493-11_493-8del on transcript NM_003289.4 (MANE Select); 11 bases into the intron before coding-DNA position 493 through 8 bases into the intron before coding-DNA position 493, 4 bases deleted (ACTC; older notation c.493-11_493-8delACTC).
Molecular consequence: intron variant.
Genome position (GRCh38, 1-based): chr9:35,685,347-35,685,350, GAGT deleted on the plus strand (ACTC on the coding strand, the reverse complement: TPM2 is on the minus strand); deleting any 4 consecutive bases within chr9:35,685,347-35,685,353 gives the same sequence; the c. name uses the placement nearest the transcript's 3' end. VCF-style (leftmost placement, unchanged base first): chr9-35685346-GGAGT-G. GRCh37 (hg19) VCF-style: chr9-35685343-GGAGT-G.
Other names: c.493-11_493-8del (NM_213674.1, NM_001301226.2, NM_001301227.2); c.493-11_493-8delACTC (NM_003289.3).
Identifiers: ClinVar variation 197751 (VCV000197751.18), dbSNP rs528068364, ClinGen allele CA203060.